The following is an entry in ClinVar:

NC_000023.11:g.(?_38269606)_(38421102_?)del

Genes: OTC (ornithine transcarbamylase; plus strand), RPGR (retinitis pigmentosa GTPase regulator; minus strand). Cytogenetic location: Xp11.4.
Variant type: Deletion.
Identifiers: ClinVar variation 831111 (VCV000831111.1).

ClinVar aggregate classification (germline): Pathogenic (1 of 4 stars; one submission).

Conditions:
Primary ciliary dyskinesia. Also called: Ciliary dyskinesia. Identifiers: Orphanet 244, MedGen C0008780, MONDO:0016575, HP:0012265.

Submission:

Labcorp Genetics (formerly Invitae), Labcorp
Classification: Pathogenic for Primary ciliary dyskinesia. Last evaluated: 2019-04-09. Review status: criteria provided, single submitter. Criteria: Invitae Variant Classification Sherloc (09022015). Collection method: clinical testing. Allele origin: germline.
Comment: A gross deletion of the genomic region encompassing the full coding sequence of the RPGR gene has been identified. The boundaries of this event are unknown as the deletion extends beyond the assayed region for this gene and therefore may encompass additional genes. This variant has not been reported in the literature in individuals with RPGR-related disease. Loss-of-function variants in RPGR are known to be pathogenic (PMID: 16055928). For these reasons, this variant has been classified as Pathogenic.